The following is an entry in ClinVar:

NM_173598.6(KSR2):c.1572G>A (p.Thr524=)

Gene: KSR2 (kinase suppressor of ras 2; minus strand). Cytogenetic location: 12q24.22.
Variant type: single nucleotide variant.
Coding change: c.1572G>A on transcript NM_173598.6 (MANE Select); coding-DNA position 1572, G replaced by A.
Protein change: p.Thr524=; no amino-acid change (threonine 524 retained).
Molecular consequence: synonymous variant.
Genome position (GRCh38, 1-based): chr12:117,539,834, C>T on the plus strand (G>A on the coding strand, the complement: KSR2 is on the minus strand). VCF-style: chr12-117539834-C-T. GRCh37 (hg19) VCF-style: chr12-117977639-C-T.
Other names: c.1485G>A (NM_173598.4).
Identifiers: ClinVar variation 2122147 (VCV002122147.6), dbSNP rs185747543, ClinGen allele CA6815990.

ClinVar aggregate classification (germline): Benign. Review status: criteria provided, single submitter (1 of 4 stars). 2 submissions from 2 submitters: Benign (1). 1 of the submissions does not count toward it. Last evaluated 2025-12-25.

Conditions:
KSR2-related disorder. Also called: KSR2-related condition.

Allele frequency attached by ClinVar (database versions not stated): ESP Exome Variant Server 0.00500; 1000 Genomes Project 30x 0.00593; gnomAD exomes 0.00049; ExAC 0.00171; gnomAD 0.00560; 1000 Genomes Project 0.00579; TOPMed 0.00611.
gnomAD v4.1: 1,591 of 1,610,176 alleles (0.099%); highest among the groups gnomAD compares: African/African-American, 1.9%; 14 homozygotes.

Submissions (2):

Labcorp Genetics (formerly Invitae), Labcorp
Classification: Benign. Last evaluated: 2025-12-25. Review status: criteria provided, single submitter. Criteria: Invitae Variant Classification Sherloc (09022015). Collection method: clinical testing. Allele origin: germline.

PreventionGenetics, part of Exact Sciences
Classification: Benign for KSR2-related condition. Last evaluated: 2019-08-27. Review status: no assertion criteria provided. Collection method: clinical testing. Allele origin: germline. Not counted in ClinVar's aggregate classification.
Comment: This variant is classified as benign based on ACMG/AMP sequence variant interpretation guidelines (Richards et al. 2015 PMID: 25741868, with internal and published modifications).